The following is an entry in ClinVar:

ClinVar aggregate classification (germline): Uncertain significance (1 of 4 stars; one submission).

Allele frequency attached by ClinVar (database versions not stated): gnomAD exomes below 0.00001; TOPMed 0.00002.
gnomAD v4.1: 6 of 1,613,168 alleles (0.00037%); highest among the groups gnomAD compares: African/African-American, 0.004%; no homozygotes.

Submission:

Labcorp Genetics (formerly Invitae), Labcorp
Classification: Uncertain significance. Last evaluated: 2022-10-05. Review status: criteria provided, single submitter. Criteria: Invitae Variant Classification Sherloc (09022015). Collection method: clinical testing. Allele origin: germline.
Comment: In summary, the available evidence is currently insufficient to determine the role of this variant in disease. Therefore, it has been classified as a Variant of Uncertain Significance. Algorithms developed to predict the effect of missense changes on protein structure and function are either unavailable or do not agree on the potential impact of this missense change (SIFT: "Deleterious"; PolyPhen-2: "Benign"; Align-GVGD: "Class C35"). This variant has not been reported in the literature in individuals affected with CNTNAP1-related conditions. This variant is present in population databases (no rsID available, gnomAD 0.004%). This sequence change replaces tyrosine, which is neutral and polar, with histidine, which is basic and polar, at codon 994 of the CNTNAP1 protein (p.Tyr994His).

NM_003632.3(CNTNAP1):c.2980T>C (p.Tyr994His)

Gene: CNTNAP1 (contactin associated protein 1; plus strand). Cytogenetic location: 17q21.2.
Variant type: single nucleotide variant.
Coding change: c.2980T>C on transcript NM_003632.3 (MANE Select); coding-DNA position 2980, T replaced by C.
Protein change: p.Tyr994His; replaces tyrosine 994 with histidine.
Molecular consequence: missense variant.
Genome position (GRCh38, 1-based): chr17:42,693,524, T>C. VCF-style: chr17-42693524-T-C. GRCh37 (hg19) VCF-style: chr17-40845542-T-C.
Other names: short protein forms Y994H.
Identifiers: ClinVar variation 1953717 (VCV001953717.5), dbSNP rs1323184496, ClinGen allele CA399653196.
Genomic context (GRCh38, chr17:42,693,524, plus strand): 5'-TGCGTGGAGCGCTATAGCTACTACACGTGTGACTGTGACCTCACGGCTTTTGATGGGCCA[T>C]ACTGCAACCACGGTAAGTGCTGCTGGTTATGGGGCAACAGGGAGCCATAGGGTGTAATGG-3'
Protein context (NP_003623.1, residues 984-1004): DCDLTAFDGP[Tyr994His]CNHDIGGFFE